The following is an entry in ClinVar:

ClinVar aggregate classification (germline): Uncertain significance (1 of 4 stars; one submission).

Conditions:
Charcot-Marie-Tooth disease type 2. Also called: Charcot-Marie-Tooth type 2. Identifiers: Orphanet 64746, MedGen C0270914, MONDO:0018993.

Submission:

Labcorp Genetics (formerly Invitae), Labcorp
Classification: Uncertain significance for Charcot-Marie-Tooth disease type 2. Last evaluated: 2024-06-04. Review status: criteria provided, single submitter. Criteria: Invitae Variant Classification Sherloc (09022015). Collection method: clinical testing. Allele origin: germline.
Comment: This sequence change replaces valine, which is neutral and non-polar, with methionine, which is neutral and non-polar, at codon 291 of the MFN2 protein (p.Val291Met). This variant is not present in population databases (gnomAD no frequency). This variant has not been reported in the literature in individuals affected with MFN2-related conditions. Advanced modeling of protein sequence and biophysical properties (such as structural, functional, and spatial information, amino acid conservation, physicochemical variation, residue mobility, and thermodynamic stability) performed at Invitae indicates that this missense variant is expected to disrupt MFN2 protein function with a positive predictive value of 95%. In summary, the available evidence is currently insufficient to determine the role of this variant in disease. Therefore, it has been classified as a Variant of Uncertain Significance.

NM_014874.4(MFN2):c.871G>A (p.Val291Met)

Gene: MFN2 (mitofusin 2; plus strand). Cytogenetic location: 1p36.22.
Variant type: single nucleotide variant.
Coding change: c.871G>A on transcript NM_014874.4 (MANE Select); coding-DNA position 871, G replaced by A.
Protein change: p.Val291Met; replaces valine 291 with methionine.
Molecular consequence: missense variant.
Genome position (GRCh38, 1-based): chr1:12,001,455, G>A. VCF-style: chr1-12001455-G-A. GRCh37 (hg19) VCF-style: chr1-12061512-G-A.
Other names: c.871G>A, p.Val291Met (NM_001127660.2); short protein forms V291M.
Identifiers: ClinVar variation 3623900 (VCV003623900.2).